The following is an entry in ClinVar:

NM_001191061.2(SLC25A22):c.617C>T (p.Pro206Leu)

Gene: SLC25A22 (solute carrier family 25 member 22; minus strand). Cytogenetic location: 11p15.5.
Variant type: single nucleotide variant.
Coding change: c.617C>T on transcript NM_001191061.2 (MANE Select); coding-DNA position 617, C replaced by T.
Protein change: p.Pro206Leu; replaces proline 206 with leucine.
Molecular consequence: missense variant.
Genome position (GRCh38, 1-based): chr11:792,429, G>A on the plus strand (C>T on the coding strand, the complement: SLC25A22 is on the minus strand). VCF-style: chr11-792429-G-A. GRCh37 (hg19) VCF-style: chr11-792429-G-A.
Other names: c.617C>T, p.Pro206Leu (NM_001191060.2, NM_024698.6); short protein forms P206L.
Identifiers: ClinVar variation 1775 (VCV000001775.11), dbSNP rs121918334, ClinGen allele CA115172.

ClinVar aggregate classification (germline): Pathogenic/Likely pathogenic. Review status: criteria provided, multiple submitters, no conflicts (2 of 4 stars). 3 submissions from 3 submitters: Pathogenic (1); Likely pathogenic (1). 1 of the submissions does not count toward it. Last evaluated 2022-12-31.

Conditions:
Early-infantile DEE. Also called: Early infantile epileptic encephalopathy with suppression bursts; Ohtahara syndrome; Early infantile epileptic encephalopathy. Identifiers: Orphanet 1934, MedGen C0393706, MONDO:0800491.
Developmental and epileptic encephalopathy, 3 (DEE3). Also called: Epileptic encephalopathy, early infantile, 3. Identifiers: MedGen C5574665, MONDO:0012245, OMIM 609304.
Early Myoclonic Encephalopathy. Identifiers: MedGen C0270855.

Allele frequency attached by ClinVar (database versions not stated): gnomAD exomes 0.00001 and below 0.00001; TOPMed 0.00003; ExAC 0.00001; gnomAD 0.00003.
gnomAD v4.1: 7 of 1,613,338 alleles (0.00043%); highest among the groups gnomAD compares: African/African-American, 0.0053%; no homozygotes.

Submissions (3):

Labcorp Genetics (formerly Invitae), Labcorp
Classification: Pathogenic for Early-infantile DEE. Last evaluated: 2022-12-31. Review status: criteria provided, single submitter. Criteria: Invitae Variant Classification Sherloc (09022015). Collection method: clinical testing. Allele origin: germline.
Comment: This sequence change replaces proline, which is neutral and non-polar, with leucine, which is neutral and non-polar, at codon 206 of the SLC25A22 protein (p.Pro206Leu). This variant is present in population databases (rs121918334, gnomAD 0.01%). This missense change has been observed in individuals with SLC25A22-related conditions (PMID: 15592994, 25033742). It has also been observed to segregate with disease in related individuals. ClinVar contains an entry for this variant (Variation ID: 1775). Advanced modeling of protein sequence and biophysical properties (such as structural, functional, and spatial information, amino acid conservation, physicochemical variation, residue mobility, and thermodynamic stability) has been performed at Invitae for this missense variant, however the output from this modeling did not meet the statistical confidence thresholds required to predict the impact of this variant on SLC25A22 protein function. Experimental studies have shown that this missense change affects SLC25A22 function (PMID: 25033742). For these reasons, this variant has been classified as Pathogenic.

Broad Center for Mendelian Genomics, Broad Institute of MIT and Harvard
Classification: Likely pathogenic for Developmental and epileptic encephalopathy, 3. Last evaluated: 2018-12-03. Review status: criteria provided, single submitter. Criteria: ACMG Guidelines, 2015. Collection method: research. Allele origin: germline. Inheritance: Autosomal recessive inheritance. Affected: yes.
Comment: This variant has been identified in the literature in four affected siblings. Functional assays showed mutant functionality to be 20% of wild-type. (Molinari et al. 2005, PMID: 15592994). This variant has been identified in <0.01% (2/15258) of African chromosomes by the Genome Aggregation Database (gnomAD; dbSNP rs121918334). Although this variant has been seen in the general population, its frequency is low enough to be consistent with a recessive carrier frequency. Computational prediction tools and conservation analyses suggest that this variant may impact the protein, though this information is not predictive enough to determine pathogenicity. In summary, although additional studies are required to fully establish its clinical significance, this variant is likely pathogenic.

OMIM
Classification: Pathogenic for DEVELOPMENTAL AND EPILEPTIC ENCEPHALOPATHY 3. Last evaluated: 2005-02-01. Review status: no assertion criteria provided. Collection method: literature only. Allele origin: germline. Not counted in ClinVar's aggregate classification.

Literature cited by the submitters: PubMed 15592994 (cited by 3 submitters); PubMed 25033742 (cited by Labcorp Genetics (formerly Invitae), Labcorp).